The following is an entry in ClinVar:

NM_181703.4(GJA5):c.829G>T (p.Gly277Ter)

Genes: GJA5 (gap junction protein alpha 5; minus strand), LOC122128420 (Sharpr-MPRA regulatory region 3144; plus strand). Cytogenetic location: 1q21.2.
Variant type: single nucleotide variant.
Coding change: c.829G>T on transcript NM_181703.4 (MANE Select); coding-DNA position 829, G replaced by T.
Protein change: p.Gly277Ter; replaces glycine 277 with a stop codon.
Molecular consequence: nonsense.
Genome position (GRCh38, 1-based): chr1:147,758,410, C>A on the plus strand (G>T on the coding strand, the complement: GJA5 is on the minus strand). VCF-style: chr1-147758410-C-A. GRCh37 (hg19) VCF-style: chr1-147230518-C-A.
Other names: c.829G>T, p.Gly277Ter (NM_005266.7); short protein forms G277*.
Identifiers: ClinVar variation 2501357 (VCV002501357.2), dbSNP rs2524608686, ClinGen allele CA342394433.

ClinVar aggregate classification (germline): Uncertain significance (1 of 4 stars; one submission).

Submission:

GeneDx
Classification: Uncertain significance. Last evaluated: 2026-10-22. Review status: criteria provided, single submitter. Criteria: GeneDx Variant Classification Process June 2021. Collection method: clinical testing. Allele origin: germline.
Comment: Not observed at significant frequency in large population cohorts (gnomAD); Nonsense variant predicted to result in protein truncation as the last 82 amino acid(s) are lost; Has not been previously published as pathogenic or benign to our knowledge